The following is an entry in ClinVar:

NM_000419.5(ITGA2B):c.1946+14C>G

Gene: ITGA2B (integrin subunit alpha 2b; minus strand). Cytogenetic location: 17q21.31.
Variant type: single nucleotide variant.
Coding change: c.1946+14C>G on transcript NM_000419.5 (MANE Select); 14 bases into the intron after coding-DNA position 1946, C replaced by G.
Molecular consequence: intron variant.
Genome position (GRCh38, 1-based): chr17:44,378,629, G>C on the plus strand (C>G on the coding strand, the complement: ITGA2B is on the minus strand). VCF-style: chr17-44378629-G-C. GRCh37 (hg19) VCF-style: chr17-42455997-G-C.
Identifiers: ClinVar variation 3251740 (VCV003251740.3), dbSNP rs369639793.

ClinVar aggregate classification (germline): Likely benign. Review status: criteria provided, multiple submitters, no conflicts (2 of 4 stars). 2 submissions from 2 submitters: Likely benign (2). Last evaluated 2026-02-01.

Conditions:
Glanzmann thrombasthenia. Also called: Thrombasthenia; THROMBASTHENIA OF GLANZMANN AND NAEGELI; BLEEDING DISORDER, PLATELET-TYPE, 2; Glanzmann's thrombasthenia; PLATELET GLYCOPROTEIN IIb-IIIa DEFICIENCY. Identifiers: Orphanet 849, MedGen C0040015, MONDO:0100326.

Allele frequency attached by ClinVar (database versions not stated): TOPMed 0.00012; gnomAD 0.00013; ESP Exome Variant Server 0.00015; ExAC 0.00016; gnomAD exomes 0.00032.
gnomAD v4.1: 482 of 1,571,008 alleles (0.031%); highest among the groups gnomAD compares: Non-Finnish European, 0.038%; no homozygotes.

Submissions (2):

Labcorp Genetics (formerly Invitae), Labcorp
Classification: Likely benign for Glanzmann thrombasthenia. Last evaluated: 2026-02-01. Review status: criteria provided, single submitter. Criteria: Invitae Variant Classification Sherloc (09022015). Collection method: clinical testing. Allele origin: germline.

Women's Health and Genetics/Laboratory Corporation of America, LabCorp
Classification: Likely benign. Last evaluated: 2024-04-24. Review status: criteria provided, single submitter. Criteria: LabCorp Variant Classification Summary - May 2015. Collection method: clinical testing. Allele origin: germline.
Comment: Variant summary: ITGA2B c.1946+14C>G alters a conserved nucleotide located at a position not widely known to affect splicing. Consensus agreement among computation tools predict no significant impact on normal splicing. However, these predictions have yet to be confirmed by functional studies. The variant allele was found at a frequency of 0.00014 in 179908 control chromosomes. To our knowledge, no occurrence of c.1946+14C>G in individuals affected with ITGA2B-Related Disorders and no experimental evidence demonstrating its impact on protein function have been reported. No submitters have cited clinical-significance assessments for this variant to ClinVar. Based on the evidence outlined above, the variant was classified as likely benign.